The following is an entry in ClinVar:

NM_004304.5(ALK):c.3115G>A (p.Val1039Met)

Gene: ALK (ALK receptor tyrosine kinase; minus strand). Cytogenetic location: 2p23.2.
Variant type: single nucleotide variant.
Coding change: c.3115G>A on transcript NM_004304.5 (MANE Select); coding-DNA position 3115, G replaced by A.
Protein change: p.Val1039Met; replaces valine 1039 with methionine.
Molecular consequence: missense variant.
Genome position (GRCh38, 1-based): chr2:29,225,518, C>T on the plus strand (G>A on the coding strand, the complement: ALK is on the minus strand). VCF-style: chr2-29225518-C-T. GRCh37 (hg19) VCF-style: chr2-29448384-C-T.
Other names: short protein forms V1039M.
Identifiers: ClinVar variation 404367 (VCV000404367.20), dbSNP rs200080181, ClinGen allele CA1594071.

ClinVar aggregate classification (germline): Conflicting classifications of pathogenicity. Review status: criteria provided, conflicting classifications (1 of 4 stars). 6 submissions from 6 submitters: Uncertain significance (5); Likely benign (1). Last evaluated 2026-02-03.

Conditions:
Familial isolated pituitary adenoma. Identifiers: Orphanet 314777, MedGen C2676191, MONDO:0017824.
Hereditary cancer-predisposing syndrome. Also called: Hereditary neoplastic syndrome; Tumor predisposition; Hereditary Cancer Syndrome; Neoplastic Syndromes, Hereditary. Identifiers: Orphanet 140162, MedGen C0027672, MeSH D009386, MONDO:0015356.
Neuroblastoma, susceptibility to, 3. Also called: ALK-Related Neuroblastic Tumor Susceptibility. Identifiers: Orphanet 635, MedGen C2751681, MONDO:0013083, OMIM 613014.

Allele frequency attached by ClinVar (database versions not stated): ExAC 0.00013; TOPMed 0.00006; gnomAD 0.00007; gnomAD exomes 0.00011; ESP Exome Variant Server 0.00023.
gnomAD v4.1: 160 of 1,613,538 alleles (0.0099%); highest among the groups gnomAD compares: Middle Eastern, 0.017%; no homozygotes.

Submissions (6):

Labcorp Genetics (formerly Invitae), Labcorp
Classification: Uncertain significance for Neuroblastoma, susceptibility to, 3. Last evaluated: 2026-02-03. Review status: criteria provided, single submitter. Criteria: Invitae Variant Classification Sherloc (09022015). Collection method: clinical testing. Allele origin: germline.
Comment: This sequence change replaces valine, which is neutral and non-polar, with methionine, which is neutral and non-polar, at codon 1039 of the ALK protein (p.Val1039Met). This variant is present in population databases (rs200080181, gnomAD 0.02%). This variant has not been reported in the literature in individuals affected with ALK-related conditions. ClinVar contains an entry for this variant (Variation ID: 404367). An algorithm developed to predict the effect of missense changes on protein structure and function (PolyPhen-2) suggests that this variant is likely to be disruptive. In summary, the available evidence is currently insufficient to determine the role of this variant in disease. Therefore, it has been classified as a Variant of Uncertain Significance.

GeneDx
Classification: Uncertain significance. Last evaluated: 2025-04-14. Review status: criteria provided, single submitter. Criteria: GeneDx Variant Classification Process June 2021. Collection method: clinical testing. Allele origin: germline.
Comment: In silico analysis indicates that this missense variant does not alter protein structure/function; Present in cancer-free control individuals but not observed in melanoma cases (PMID: 29641532); This variant is associated with the following publications: (PMID: 37939140, 29641532)

Ambry Genetics
Classification: Likely benign for Hereditary cancer-predisposing syndrome. Last evaluated: 2024-06-25. Review status: criteria provided, single submitter. Criteria: Ambry Variant Classification Scheme 2023. Collection method: clinical testing. Allele origin: germline.

Baylor Genetics
Classification: Uncertain significance for Neuroblastoma, susceptibility to, 3. Last evaluated: 2024-03-21. Review status: criteria provided, single submitter. Criteria: ACMG Guidelines, 2015. Collection method: clinical testing. Allele origin: unknown.

St. Jude Molecular Pathology, St. Jude Children's Research Hospital
Classification: Uncertain significance for Familial isolated pituitary adenoma. Last evaluated: 2021-05-20. Review status: criteria provided, single submitter. Criteria: St. Jude Assertion Criteria 2020. Collection method: clinical testing. Allele origin: germline.

Illumina Laboratory Services, Illumina
Classification: Uncertain significance for Neuroblastoma, susceptibility to, 3. Last evaluated: 2017-04-28. Review status: criteria provided, single submitter. Criteria: ICSL Variant Classification Criteria 13 December 2019. Collection method: clinical testing. Allele origin: germline.